The following is an entry in ClinVar:

ClinVar aggregate classification (germline): Likely benign. Review status: criteria provided, multiple submitters, no conflicts (2 of 4 stars). 3 submissions from 3 submitters: Likely benign (3). Last evaluated 2026-01-01.

Conditions:
Early-infantile DEE. Also called: Ohtahara syndrome; Early infantile epileptic encephalopathy with suppression bursts; Early infantile epileptic encephalopathy. Identifiers: Orphanet 1934, MedGen C0393706, MONDO:0800491.

Allele frequency attached by ClinVar (database versions not stated): ExAC 0.00001; TOPMed 0.00002; gnomAD exomes 0.00003 and 0.00007; gnomAD 0.00005; ESP Exome Variant Server 0.00008; 1000 Genomes Project 30x 0.00016; 1000 Genomes Project 0.00020.
gnomAD v4.1: 53 of 1,614,188 alleles (0.0033%); highest among the groups gnomAD compares: Non-Finnish European, 0.0023%; no homozygotes.

Submissions (3):

CeGaT Center for Human Genetics Tuebingen
Classification: Likely benign. Last evaluated: 2026-01-01. Review status: criteria provided, single submitter. Criteria: CeGaT Center For Human Genetics Tuebingen Variant Classification Criteria Version 2. Collection method: clinical testing. Allele origin: germline. Affected: yes. Observed: 4 variant alleles.
Comment: SCN1A: BP4, BP7

Labcorp Genetics (formerly Invitae), Labcorp
Classification: Likely benign for Early-infantile DEE. Last evaluated: 2025-10-02. Review status: criteria provided, single submitter. Criteria: Invitae Variant Classification Sherloc (09022015). Collection method: clinical testing. Allele origin: germline.

Blueprint Genetics
Classification: Likely benign. Last evaluated: 2024-06-11. Review status: criteria provided, single submitter. Criteria: ACMG Guidelines, 2015. Collection method: clinical testing. Allele origin: germline.

NM_001165963.4(SCN1A):c.1440A>C (p.Ser480=)

Gene: SCN1A (sodium voltage-gated channel alpha subunit 1; minus strand). Cytogenetic location: 2q24.3.
Variant type: single nucleotide variant.
Coding change: c.1440A>C on transcript NM_001165963.4 (MANE Select); coding-DNA position 1440, A replaced by C.
Protein change: p.Ser480=; no amino-acid change (serine 480 retained).
Molecular consequence: synonymous variant. On other transcripts: 5 prime UTR variant (1), non-coding transcript variant (1).
Genome position (GRCh38, 1-based): chr2:166,045,265, T>G on the plus strand (A>C on the coding strand, the complement: SCN1A is on the minus strand). VCF-style: chr2-166045265-T-G. GRCh37 (hg19) VCF-style: chr2-166901775-T-G.
Other names: c.1440A>C, p.Ser480= (NM_001165964.3, NM_001202435.3, NM_001353948.2 and 7 more transcripts); c.1437A>C, p.Ser479= (NM_001353954.2, NM_001353955.2, NM_001353960.2); c.-986A>C (NM_001353961.2).
Identifiers: ClinVar variation 699237 (VCV000699237.45), dbSNP rs201383347, ClinGen allele CA1943304.
Genomic context (GRCh38, chr2:166,045,265, plus strand): 5'-CCGATTTCTTCTTTCCTTAGCACTCTTGGAACTCAACTTAGAGGCTTCAGATGAGCTGTC[T>G]GAGAGCCTGCCTGCTGCACTGGGCTCTCTGGAATGTTCTGAGGCAGTTGCCGTTGCTGCC-3'
Protein context (NP_001159435.1, residues 470-490): SREPSAAGRL[Ser480=]DSSSEASKLS